The following is an entry in ClinVar:

ClinVar aggregate classification (germline): Uncertain significance (1 of 4 stars; one submission).

gnomAD v4.1: 11 of 1,613,678 alleles (0.00068%); highest among the groups gnomAD compares: South Asian, 0.012%; no homozygotes.

Submission:

GeneDx
Classification: Uncertain significance. Last evaluated: 2025-11-07. Review status: criteria provided, single submitter. Criteria: GeneDx Variant Classification Process June 2021. Collection method: clinical testing. Allele origin: germline.
Comment: Not observed at significant frequency in large population cohorts (gnomAD); Missense variant in a gene in which most reported pathogenic variants are truncating/loss of function; Has not been previously published as pathogenic or benign to our knowledge

NM_001267550.2(TTN):c.88031T>A (p.Ile29344Asn)

Genes: TTN (titin; minus strand), TTN-AS1 (TTN antisense RNA 1; plus strand). Cytogenetic location: 2q31.2.
Variant type: single nucleotide variant.
Coding change: c.88031T>A on transcript NM_001267550.2 (MANE Select); coding-DNA position 88031, T replaced by A.
Protein change: p.Ile29344Asn; replaces isoleucine 29344 with asparagine.
Molecular consequence: missense variant.
Genome position (GRCh38, 1-based): chr2:178,557,123, A>T on the plus strand (T>A on the coding strand, the complement: TTN is on the minus strand). VCF-style: chr2-178557123-A-T. GRCh37 (hg19) VCF-style: chr2-179421850-A-T.
Other names: c.83108T>A, p.Ile27703Asn (NM_001256850.1); c.60836T>A, p.Ile20279Asn (NM_003319.4); c.80327T>A, p.Ile26776Asn (NM_133378.4); c.61211T>A, p.Ile20404Asn (NM_133432.3); c.61412T>A, p.Ile20471Asn (NM_133437.4); short protein forms I20279N, I20404N, I20471N, I26776N, I27703N, I29344N.
Identifiers: ClinVar variation 3899043 (VCV003899043.2).
Genomic context (GRCh38, chr2:178,557,123, plus strand): 5'-CCTCCATCGAAAGCTGGTTGTTGCCATGAAAGGCTGACAGAGTTCTTTGAAATATCAGTG[A>T]TACGAACATTTCTTGGGGGTTCTGTGGTAATAAGAGAAGCAGATTAGCGGCACTTATAAT-3'
Protein context (NP_001254479.2, residues 29334-29354): DACEPPRNVR[Ile29344Asn]TDISKNSVSL